The following is an entry in ClinVar:

NM_000180.4(GUCY2D):c.121C>T (p.Leu41Phe)

Gene: GUCY2D (guanylate cyclase 2D, retinal; plus strand). Cytogenetic location: 17p13.1.
Variant type: single nucleotide variant.
Coding change: c.121C>T on transcript NM_000180.4 (MANE Select); coding-DNA position 121, C replaced by T.
Protein change: p.Leu41Phe; replaces leucine 41 with phenylalanine.
Molecular consequence: missense variant.
Genome position (GRCh38, 1-based): chr17:8,003,168, C>T. VCF-style: chr17-8003168-C-T. GRCh37 (hg19) VCF-style: chr17-7906486-C-T.
Other names: short protein forms L41F.
Identifiers: ClinVar variation 98538 (VCV000098538.55), dbSNP rs61749664, ClinGen allele CA226039.
Genomic context (GRCh38, chr17:8,003,168, plus strand): 5'-TGGTGGGCTCCGTCCCTGCCCCGCCTCCCCCGGGCCCTGCCCCGGCTCCCGCTCCTGCTG[C>T]TCCTGCTTCTGCTGCAGCCCCCCGCCCTCTCCGCCGTGTTCACGGTGGGGGTCCTGGGCC-3'
Protein context (NP_000171.1, residues 31-51): RALPRLPLLL[Leu41Phe]LLLLQPPALS

ClinVar aggregate classification (germline): Uncertain significance. Review status: criteria provided, multiple submitters, no conflicts (2 of 4 stars). 11 submissions from 11 submitters: Uncertain significance (10). 1 of the submissions does not count toward it. Last evaluated 2025-12-12.

Conditions:
GUCY2D-related disorder. Also called: GUCY2D-related condition.
Choroidal dystrophy, central areolar, 1. Identifiers: Orphanet 75377, MedGen C4551884, MONDO:0024539, OMIM 215500.
Leber congenital amaurosis 1 (LCA1). Also called: RETINAL BLINDNESS, CONGENITAL; Congenital absence of the rods and cones; Leber's congenital tapetoretinal degeneration; Leber's congenital tapetoretinal dysplasia; AMAUROSIS CONGENITA OF LEBER I. Identifiers: Orphanet 65, MedGen C2931258, MONDO:0008764, OMIM 204000.
Cone-rod dystrophy 6 (CORD6). Also called: RETINAL CONE DYSTROPHY 2; Cone dystrophy progressive. Identifiers: Orphanet 1872, MedGen C1866293, MONDO:0011143, OMIM 601777.
Night blindness, congenital stationary, type1i. Also called: NIGHT BLINDNESS, CONGENITAL STATIONARY, TYPE 1I. Identifiers: MedGen C5231408, MONDO:0032811, OMIM 618555.
Retinal dystrophy. Also called: Inherited retinal dystrophy. Identifiers: Orphanet 71862, MedGen C0854723, MeSH D058499, MONDO:0019118, HP:0000556.

Allele frequency attached by ClinVar (database versions not stated): gnomAD 0.00009 and 0.00010; ExAC 0.00010; gnomAD exomes 0.00012 and 0.00016; TOPMed 0.00014.
gnomAD v4.1: 246 of 1,513,028 alleles (0.016%); highest among the groups gnomAD compares: Middle Eastern, 0.19%; no homozygotes.

Submissions (11):

PreventionGenetics, part of Exact Sciences
Classification: Uncertain significance for GUCY2D-related condition. Last evaluated: 2025-12-12. Review status: criteria provided, single submitter. Criteria: ACMG Guidelines, 2015. Collection method: clinical testing. Allele origin: germline.
Comment: The GUCY2D c.121C>T variant is predicted to result in the amino acid substitution p.Leu41Phe. This variant has been reported in the heterozygous state in an individual with Leber congenital amaurosis (Perrault et al. 2000. PubMed ID: 10951519). This variant has been shown to impact protein function (Zulliger et al. 2014. PubMed ID: 25477517). This variant is present in 0.026% of alleles in individuals of South Asian descent in gnomAD. At this time, the clinical significance of this variant is uncertain due to the absence of conclusive functional and genetic evidence.

Blueprint Genetics
Classification: Uncertain significance. Last evaluated: 2024-08-22. Review status: criteria provided, single submitter. Criteria: ACMG Guidelines, 2015. Collection method: clinical testing. Allele origin: germline.

Labcorp Genetics (formerly Invitae), Labcorp
Classification: Uncertain significance for Leber congenital amaurosis 1; Cone-rod dystrophy 6. Last evaluated: 2022-10-30. Review status: criteria provided, single submitter. Criteria: Invitae Variant Classification Sherloc (09022015). Collection method: clinical testing. Allele origin: germline.
Comment: This sequence change replaces leucine, which is neutral and non-polar, with phenylalanine, which is neutral and non-polar, at codon 41 of the GUCY2D protein (p.Leu41Phe). This variant is present in population databases (rs61749664, gnomAD 0.03%). This missense change has been observed in individual(s) with Leber congenital amaurosis or autosomal recessive retinitis pigmentosa (PMID: 10951519, 15024725, 18055816, 22695961). ClinVar contains an entry for this variant (Variation ID: 98538). Advanced modeling of protein sequence and biophysical properties (such as structural, functional, and spatial information, amino acid conservation, physicochemical variation, residue mobility, and thermodynamic stability) performed at Invitae indicates that this missense variant is not expected to disrupt GUCY2D protein function. Experimental studies are conflicting or provide insufficient evidence to determine the effect of this variant on GUCY2D function (PMID: 11328726, 25477517). In summary, the available evidence is currently insufficient to determine the role of this variant in disease. Therefore, it has been classified as a Variant of Uncertain Significance.

Genetics and Molecular Pathology, SA Pathology
Classification: Uncertain significance for Cone-rod dystrophy 6. Last evaluated: 2022-02-01. Review status: criteria provided, single submitter. Criteria: ACMG Guidelines, 2015. Collection method: clinical testing. Allele origin: germline. Affected: yes.

Institute of Human Genetics, Univ. Regensburg, Univ. Regensburg
Classification: Uncertain significance for Retinal dystrophy. Last evaluated: 2022-01-01. Review status: criteria provided, single submitter. Criteria: ACMG Guidelines, 2015. Collection method: clinical testing. Allele origin: germline. Affected: yes.

Fulgent Genetics
Classification: Uncertain significance for Leber congenital amaurosis 1; Choroidal dystrophy, central areolar, 1; Cone-rod dystrophy 6; Night blindness, congenital stationary, type1i. Last evaluated: 2021-10-28. Review status: criteria provided, single submitter. Criteria: ACMG Guidelines, 2015. Collection method: clinical testing. Allele origin: unknown.

CeGaT Center for Human Genetics Tuebingen
Classification: Uncertain significance. Last evaluated: 2021-10-01. Review status: criteria provided, single submitter. Criteria: CeGaT Center For Human Genetics Tuebingen Variant Classification Criteria Version 2. Collection method: clinical testing. Allele origin: germline. Affected: yes. Observed: 2 variant alleles.

GeneDx
Classification: Uncertain significance. Last evaluated: 2020-02-13. Review status: criteria provided, single submitter. Criteria: GeneDx Variant Classification Process June 2021. Collection method: clinical testing. Allele origin: germline. Affected: yes.
Comment: Reported previously in the heterozygous state in two siblings with Leber congenital amaurosis and in one family with autosomal recessive retinitis pigmentosa; none of these individuals harbored a second identifiable GUCY2D variant (Perrault et al., 2000; Vallespin et al., 2007); Published functional studies are inconclusive, with both reduced binding to RD3 protein as well as normal basal activity reported (Zulliger et al., 2015; Sharon et al., 2018); In silico analysis supports that this missense variant does not alter protein structure/function; This variant is associated with the following publications: (PMID: 31626798, 29061346, 20012162, 18055816, 10951519, 19941040, 22695961, 25477517, 31574917)

ARUP Laboratories, Molecular Genetics and Genomics, ARUP Laboratories
Classification: Uncertain significance. Last evaluated: 2018-06-22. Review status: criteria provided, single submitter. Criteria: ARUP Molecular Germline Variant Investigation Process. Collection method: clinical testing. Allele origin: germline.
Comment: The GUCY2D c.121C>T;p.Leu41Phe variant (rs61749664) has been published in the literature in at least one individual with Leber congenital amaurosis (Perrault 2000). The variant is reported in the ClinVar database (Variation ID: 98538 ) and in the Genome Aggregation Database with an overall allele frequency of 0.01% (15/135906 alleles). The leucine at codon 41 is moderately conserved across species and computational programs (PolyPhen2, SIFT) predict this variant is tolerated. However, at least one publication indicates that this protein shows reduced function (Zulliger 2015). Considering available information, the clinical significance of this variant cannot be determined with certainty. Pathogenic GUCY2D variants are causative for autosomal dominant cone-rod dystrophy or autosomal recessive Leber congenital amaurosis (OMIM#600179). References: Perrault I et al. Spectrum of retGC1 mutations in Leber's congenital amaurosis. Eur J Hum Genet. 2000 8(8):578-82. Zulliger R et al. Impaired association of retinal degeneration-3 with guanylate cyclase-1 and guanylate cyclase-activating protein-1 leads to leber congenital amaurosis-1. J Biol Chem. 2015 290(6):3488-99.

Center for Pediatric Genomic Medicine, Children's Mercy Hospital and Clinics
Classification: Uncertain significance. Last evaluated: 2017-04-26. Review status: criteria provided, single submitter. Criteria: ACMG Guidelines, 2015. Collection method: clinical testing. Allele origin: germline.

Retina International
No classification provided. Review status: no classification provided. Collection method: not provided. Allele origin: not provided. Not counted in ClinVar's aggregate classification.

Literature cited by the submitters: PubMed 10951519 (cited by Labcorp Genetics (formerly Invitae), Labcorp and Institute of Human Genetics, Univ. Regensburg, Univ. Regensburg); PubMed 15024725 (cited by Labcorp Genetics (formerly Invitae), Labcorp); PubMed 18055816 (cited by Labcorp Genetics (formerly Invitae), Labcorp); PubMed 22695961 (cited by Labcorp Genetics (formerly Invitae), Labcorp); PubMed 11328726 (cited by Labcorp Genetics (formerly Invitae), Labcorp); PubMed 25477517 (cited by Labcorp Genetics (formerly Invitae), Labcorp and Institute of Human Genetics, Univ. Regensburg, Univ. Regensburg); PubMed 34426522 (cited by Institute of Human Genetics, Univ. Regensburg, Univ. Regensburg).